The following is an entry in ClinVar:

ClinVar aggregate classification (germline): Conflicting classifications of pathogenicity. Review status: criteria provided, conflicting classifications (1 of 4 stars). 4 submissions from 4 submitters: Pathogenic (1); Likely pathogenic (1); Uncertain significance (1). 1 of the submissions does not count toward it. Last evaluated 2025-10-28.

Conditions:
Spastic paraplegia. Identifiers: MedGen C0037772, HP:0001258.
Hereditary spastic paraplegia 47. Also called: Spastic paraplegia 47, autosomal recessive; adaptor protein 4 (AP-4) deficiency syndrome; CEREBRAL PALSY, SPASTIC QUADRIPLEGIC, 5. Identifiers: Orphanet 280763, MedGen C3279738, MONDO:0013551, OMIM 614066.

Allele frequency attached by ClinVar (database versions not stated): gnomAD exomes below 0.00001; TOPMed below 0.00001; gnomAD 0.00001.

Submissions (4):

GeneDx
Classification: Likely pathogenic. Last evaluated: 2025-10-28. Review status: criteria provided, single submitter. Criteria: GeneDx Variant Classification Process June 2021. Collection method: clinical testing. Allele origin: germline.
Comment: Canonical splice site variant expected to result in aberrant splicing, although in the absence of functional evidence the actual effect of this sequence change is unknown.; Not observed at significant frequency in large population cohorts (gnomAD); This variant is associated with the following publications: (PMID: 29302074, 32895917, 40782215, 32979048)

Institute for Clinical Genetics, University Hospital TU Dresden, University Hospital TU Dresden
Classification: Pathogenic. Last evaluated: 2021-11-03. Review status: criteria provided, single submitter. Criteria: ACMG Guidelines, 2015. Collection method: clinical testing. Allele origin: germline.

Institute of Human Genetics, University of Leipzig Medical Center
Classification: Uncertain significance for Hereditary spastic paraplegia 47. Last evaluated: 2018-05-16. Review status: criteria provided, single submitter. Criteria: ACMG Guidelines, 2015. Collection method: clinical testing. Allele origin: germline. Affected: yes. Observed: 1 variant allele.

Yale Center for Mendelian Genomics, Yale University
Classification: Likely pathogenic for Spastic paraplegia. Last evaluated: 2020-10-01. Review status: no assertion criteria provided. Collection method: literature only. Allele origin: germline. Affected: yes. Observed: 1 homozygote. Study: Yale Center for Mendelian Genomics. Not counted in ClinVar's aggregate classification.

Literature cited by the submitters: PubMed 32979048 (cited by Yale Center for Mendelian Genomics, Yale University).

NM_001253852.3(AP4B1):c.1115-2A>G

Genes: AP4B1 (adaptor related protein complex 4 subunit beta 1; minus strand), AP4B1-AS1 (AP4B1 antisense RNA 1; plus strand). Cytogenetic location: 1p13.2.
Variant type: single nucleotide variant.
Coding change: c.1115-2A>G on transcript NM_001253852.3 (MANE Select); the canonical splice acceptor site of the intron before coding-DNA position 1115, A replaced by G.
Molecular consequence: splice acceptor variant.
Genome position (GRCh38, 1-based): chr1:113,898,803, T>C on the plus strand (A>G on the coding strand, the complement: AP4B1 is on the minus strand). VCF-style: chr1-113898803-T-C. GRCh37 (hg19) VCF-style: chr1-114441425-T-C.
Other names: c.818-2A>G (NM_001253853.3); c.1115-2A>G (NM_006594.5); c.611-2A>G (NM_001308312.2).
Identifiers: ClinVar variation 975957 (VCV000975957.9), dbSNP rs1210851910, ClinGen allele CA341711836.